The following is an entry in ClinVar:

ClinVar aggregate classification (germline): Uncertain significance (1 of 4 stars; one submission).

Submission:

Labcorp Genetics (formerly Invitae), Labcorp
Classification: Uncertain significance. Last evaluated: 2021-11-27. Review status: criteria provided, single submitter. Criteria: Invitae Variant Classification Sherloc (09022015). Collection method: clinical testing. Allele origin: germline.
Comment: In summary, the available evidence is currently insufficient to determine the role of this variant in disease. Therefore, it has been classified as a Variant of Uncertain Significance. Algorithms developed to predict the effect of missense changes on protein structure and function output the following: SIFT: "Not Available"; PolyPhen-2: "Benign"; Align-GVGD: "Not Available". The serine amino acid residue is found in multiple mammalian species, which suggests that this missense change does not adversely affect protein function. This variant has not been reported in the literature in individuals affected with ADSSL1-related conditions. This variant is not present in population databases (gnomAD no frequency). This sequence change replaces threonine, which is neutral and polar, with serine, which is neutral and polar, at codon 252 of the ADSSL1 protein (p.Thr252Ser).

NM_152328.5(ADSS1):c.626C>G (p.Thr209Ser)

Gene: ADSS1 (adenylosuccinate synthase 1; plus strand). Cytogenetic location: 14q32.33.
Variant type: single nucleotide variant.
Coding change: c.626C>G on transcript NM_152328.5 (MANE Select); coding-DNA position 626, C replaced by G.
Protein change: p.Thr209Ser; replaces threonine 209 with serine.
Molecular consequence: missense variant.
Genome position (GRCh38, 1-based): chr14:104,740,880, C>G. VCF-style: chr14-104740880-C-G. GRCh37 (hg19) VCF-style: chr14-105207217-C-G.
Other names: c.755C>G, p.Thr252Ser (NM_199165.2); c.11C>G, p.Thr4Ser (NM_001320424.1); short protein forms T209S, T252S, T4S.
Identifiers: ClinVar variation 1681949 (VCV001681949.6), dbSNP rs144265214, ClinGen allele CA391240058.